The following is an entry in ClinVar:

ClinVar aggregate classification (germline): Likely benign (1 of 4 stars; one submission).

Conditions:
Pheochromocytoma/paraganglioma syndrome 4. Also called: CAROTID BODY TUMORS AND MULTIPLE EXTRAADRENAL PHEOCHROMOCYTOMAS; PARAGANGLIOMA, FAMILIAL MALIGNANT; PARAGANGLIOMAS, HEREDITARY EXTRAADRENAL; PHEOCHROMOCYTOMA, FAMILIAL EXTRAADRENAL; Paragangliomas 4; SDHB-Related Hereditary Paraganglioma-Pheochromocytoma Syndrome (Paragangliomas 4). Identifiers: Orphanet 29072, MedGen C1861848, MONDO:0007273, OMIM 115310.

Submission:

Myriad Genetics, Inc.
Classification: Likely benign for Pheochromocytoma/paraganglioma syndrome 4. Last evaluated: 2025-03-12. Review status: criteria provided, single submitter. Criteria: Myriad Autosomal Dominant, Autosomal Recessive and X-Linked Classification Criteria (2023). Collection method: clinical testing. Allele origin: unknown.
Comment: This variant is considered likely benign. This variant is intronic and is not expected to impact mRNA splicing.

NM_003000.3(SDHB):c.201-15A>G

Gene: SDHB (succinate dehydrogenase complex iron sulfur subunit B; minus strand). Cytogenetic location: 1p36.13.
Variant type: single nucleotide variant.
Coding change: c.201-15A>G on transcript NM_003000.3 (MANE Select); 15 bases into the intron before coding-DNA position 201, A replaced by G.
Molecular consequence: intron variant.
Genome position (GRCh38, 1-based): chr1:17,033,160, T>C on the plus strand (A>G on the coding strand, the complement: SDHB is on the minus strand). VCF-style: chr1-17033160-T-C. GRCh37 (hg19) VCF-style: chr1-17359655-T-C.
Other names: c.201-15A>G (NM_001407361.1).
Identifiers: ClinVar variation 3904451 (VCV003904451.1).
Genomic context (GRCh38, chr1:17,033,160, plus strand): 5'-TTCATTCTTAATCTTGATTAAAGCATCCAATACCATGGGGCCACATCTAACAAAGAAAAA[T>C]ATCCAGTGGTATTTATGTAACGTTCAACCTCCCTACACTTTATCATAATATAATCGGAGA-3'